The following is an entry in ClinVar:

ClinVar aggregate classification (germline): Benign. Review status: criteria provided, multiple submitters, no conflicts (2 of 4 stars). 4 submissions from 2 submitters: Benign (4). Last evaluated 2018-01-13.

Conditions:
Primary erythromelalgia. Also called: SCN9A Erythromelalgia (SCN9A-EM); primary erythermalgia. Identifiers: Orphanet 306577, Orphanet 90026, MedGen C0014805, MONDO:0007571, OMIM 133020.
Paroxysmal extreme pain disorder (PEXPD). Also called: PAIN, SUBMANDIBULAR, OCULAR, AND RECTAL, WITH FLUSHING; RECTAL PAIN, FAMILIAL; SCN9A Paroxysmal Extreme Pain Disorder (SCN9A-PEPD). Identifiers: Orphanet 46348, MedGen C1833661, MONDO:0008179, OMIM 167400.
Channelopathy-associated congenital insensitivity to pain, autosomal recessive. Also called: Insensitivity to pain, channelopathy-associated; ASYMBOLIA FOR PAIN; CONGENITAL ANALGESIA, AUTOSOMAL RECESSIVE. Identifiers: Orphanet 88642, Orphanet 970, MedGen C1855739, MONDO:0009459, OMIM 243000.

Allele frequency attached by ClinVar (database versions not stated): 1000 Genomes Project 0.08347; 1000 Genomes Project 30x 0.08838; gnomAD 0.10443 and 0.10746; TOPMed 0.10478.

Submissions (4):

Illumina Laboratory Services, Illumina
Classification: Benign for Paroxysmal extreme pain disorder. Last evaluated: 2018-01-13. Review status: criteria provided, single submitter. Criteria: ICSL Variant Classification Criteria 13 December 2019. Collection method: clinical testing. Allele origin: germline.
Comment: This variant was observed in the ICSL laboratory as part of a predisposition screen in an ostensibly healthy population. It had not been previously curated by ICSL or reported in the Human Gene Mutation Database (HGMD: prior to June 1st, 2018), and was therefore a candidate for classification through an automated scoring system. Utilizing variant allele frequency, disease prevalence and penetrance estimates, and inheritance mode, an automated score was calculated to assess if this variant is too frequent to cause the disease. Based on the score and internal cut-off values, a variant classified as benign is not then subjected to further curation. The score for this variant resulted in a classification of benign for this disease.

Illumina Laboratory Services, Illumina
Classification: Benign for Channelopathy-associated congenital insensitivity to pain, autosomal recessive. Last evaluated: 2018-01-13. Review status: criteria provided, single submitter. Criteria: ICSL Variant Classification Criteria 13 December 2019. Collection method: clinical testing. Allele origin: germline.
Comment: the same text as in the submission from Illumina Laboratory Services, Illumina above.

Illumina Laboratory Services, Illumina
Classification: Benign for Primary erythromelalgia. Last evaluated: 2018-01-13. Review status: criteria provided, single submitter. Criteria: ICSL Variant Classification Criteria 13 December 2019. Collection method: clinical testing. Allele origin: germline.
Comment: the same text as in the submission from Illumina Laboratory Services, Illumina above.

Breakthrough Genomics
Classification: Benign. Review status: criteria provided, single submitter. Criteria: ACMG Guidelines, 2015. Collection method: not provided. Allele origin: germline. Inheritance: Autosomal recessive inheritance. Affected: yes.

NM_001365536.1(SCN9A):c.*1013C>T

Genes: SCN9A (sodium voltage-gated channel alpha subunit 9; minus strand), SCN1A-AS1 (SCN1A and SCN9A antisense RNA 1; plus strand). Cytogenetic location: 2q24.3.
Variant type: single nucleotide variant.
Coding change: c.*1013C>T on transcript NM_001365536.1 (MANE Select); 1013 bases downstream of the stop codon, C replaced by T.
Molecular consequence: 3 prime UTR variant.
Genome position (GRCh38, 1-based): chr2:166,197,659, G>A on the plus strand (C>T on the coding strand, the complement: SCN9A is on the minus strand). VCF-style: chr2-166197659-G-A. GRCh37 (hg19) VCF-style: chr2-167054169-G-A.
Other names: c.*1013C>T (NM_002977.4).
Identifiers: ClinVar variation 331938 (VCV000331938.7), dbSNP rs16851754, ClinGen allele CA10611612.